The following is an entry in ClinVar:

NM_016111.4(TELO2):c.808G>A (p.Gly270Arg)

Gene: TELO2 (telomere maintenance 2; plus strand). Cytogenetic location: 16p13.3.
Variant type: single nucleotide variant.
Coding change: c.808G>A on transcript NM_016111.4 (MANE Select); coding-DNA position 808, G replaced by A.
Protein change: p.Gly270Arg; replaces glycine 270 with arginine.
Molecular consequence: missense variant.
Genome position (GRCh38, 1-based): chr16:1,497,486, G>A. VCF-style: chr16-1497486-G-A. GRCh37 (hg19) VCF-style: chr16-1547487-G-A.
Other names: c.808G>A, p.Gly270Arg (NM_001351846.2); short protein forms G270R.
Identifiers: ClinVar variation 3359670 (VCV003359670.2).
Genomic context (GRCh38, chr16:1,497,486, plus strand): 5'-CGCGTCTGCTGGCGCCTGGTGGAGCAAGTGCCGGACCGGGCCATGGAGGCTGTGCTGACC[G>A]GGCTGGTGGAGGCCGCACTGGGGTAAGCAGCCAGGCTGTCCTCCAGCTGCACTGGCTTCT-3'
Protein context (NP_057195.2, residues 260-280): PDRAMEAVLT[Gly270Arg]LVEAALGPEV

ClinVar aggregate classification (germline): Uncertain significance. Review status: criteria provided, multiple submitters, no conflicts (2 of 4 stars). 2 submissions from 2 submitters: Uncertain significance (2). Last evaluated 2024-07-27.

Conditions:
Inborn genetic diseases. Identifiers: MedGen C0950123, MeSH D030342.

Submissions (2):

Ambry Genetics
Classification: Uncertain significance for Inborn genetic diseases. Last evaluated: 2024-07-27. Review status: criteria provided, single submitter. Criteria: Ambry Variant Classification Scheme 2023. Collection method: clinical testing. Allele origin: germline.

GeneDx
Classification: Uncertain significance. Last evaluated: 2023-06-03. Review status: criteria provided, single submitter. Criteria: GeneDx Variant Classification Process June 2021. Collection method: clinical testing. Allele origin: germline. Affected: yes.
Comment: Not observed at significant frequency in large population cohorts (gnomAD); In silico analysis supports that this missense variant has a deleterious effect on protein structure/function; Has not been previously published as pathogenic or benign to our knowledge